The following is an entry in ClinVar:

ClinVar aggregate classification (germline): Uncertain significance. Review status: criteria provided, multiple submitters, no conflicts (2 of 4 stars). 2 submissions from 2 submitters: Uncertain significance (2). Last evaluated 2022-08-22.

Conditions:
Nemaline myopathy 2 (NEM2). Also called: Nemaline myopathy 2, autosomal recessive. Identifiers: MedGen C1850569, MONDO:0009725, OMIM 256030.

Submissions (2):

Labcorp Genetics (formerly Invitae), Labcorp
Classification: Uncertain significance for Nemaline myopathy 2. Last evaluated: 2022-08-22. Review status: criteria provided, single submitter. Criteria: Invitae Variant Classification Sherloc (09022015). Collection method: clinical testing. Allele origin: germline.
Comment: This sequence change replaces lysine, which is basic and polar, with glutamic acid, which is acidic and polar, at codon 6242 of the NEB protein (p.Lys6242Glu). This variant is not present in population databases (gnomAD no frequency). This variant has not been reported in the literature in individuals affected with NEB-related conditions. ClinVar contains an entry for this variant (Variation ID: 331453). Algorithms developed to predict the effect of missense changes on protein structure and function are either unavailable or do not agree on the potential impact of this missense change (SIFT: "Deleterious"; PolyPhen-2: "Not Available"; Align-GVGD: "Class C0"). In summary, the available evidence is currently insufficient to determine the role of this variant in disease. Therefore, it has been classified as a Variant of Uncertain Significance.

Illumina Laboratory Services, Illumina
Classification: Uncertain significance for Nemaline myopathy 2. Last evaluated: 2018-01-13. Review status: criteria provided, single submitter. Criteria: ICSL Variant Classification Criteria 13 December 2019. Collection method: clinical testing. Allele origin: germline.

NM_001164508.2(NEB):c.18724A>G (p.Lys6242Glu)

Gene: NEB (nebulin; minus strand). Cytogenetic location: 2q23.3.
Variant type: single nucleotide variant.
Coding change: c.18724A>G on transcript NM_001164508.2 (MANE Select); coding-DNA position 18724, A replaced by G.
Protein change: p.Lys6242Glu; replaces lysine 6242 with glutamic acid.
Molecular consequence: missense variant.
Genome position (GRCh38, 1-based): chr2:151,562,778, T>C on the plus strand (A>G on the coding strand, the complement: NEB is on the minus strand). VCF-style: chr2-151562778-T-C. GRCh37 (hg19) VCF-style: chr2-152419292-T-C.
Other names: c.18724A>G, p.Lys6242Glu (NM_001164507.2, NM_001271208.2); c.13621A>G, p.Lys4541Glu (NM_004543.5); short protein forms K6242E, K4541E.
Identifiers: ClinVar variation 331453 (VCV000331453.6), dbSNP rs886054937, ClinGen allele CA10612406.
Genomic context (GRCh38, chr2:151,562,778, plus strand): 5'-ACTGGCACCTTTTAGCCAGCACGTGATTCATCATGTCATTGGGGATATGAACATTTGCTT[T>C]GGTATCCTCATAATGTTTTCTGTAGTTCAACTAATATGTTTTAAAGACAAAAATAAGAAA-3'
Protein context (NP_001157980.2, residues 6232-6252): LNYRKHYEDT[Lys6242Glu]ANVHIPNDMM